The following is an entry in ClinVar:

NM_000038.6(APC):c.4016G>A (p.Gly1339Asp)

Gene: APC (APC regulator of Wnt signaling pathway; plus strand). Cytogenetic location: 5q22.2.
Variant type: single nucleotide variant.
Coding change: c.4016G>A on transcript NM_000038.6 (MANE Select); coding-DNA position 4016, G replaced by A.
Protein change: p.Gly1339Asp; replaces glycine 1339 with aspartic acid.
Molecular consequence: missense variant.
Genome position (GRCh38, 1-based): chr5:112,839,610, G>A. VCF-style: chr5-112839610-G-A. GRCh37 (hg19) VCF-style: chr5-112175307-G-A.
Other names: c.4016G>A, p.Gly1339Asp (NM_001127510.3, NM_001354895.2); c.3962G>A, p.Gly1321Asp (NM_001127511.3); c.4070G>A, p.Gly1357Asp (NM_001354896.2); c.4046G>A, p.Gly1349Asp (NM_001354897.2); c.3941G>A, p.Gly1314Asp (NM_001354898.2); c.3932G>A, p.Gly1311Asp (NM_001354899.2); c.3893G>A, p.Gly1298Asp (NM_001354900.2); c.3839G>A, p.Gly1280Asp (NM_001354901.2); and 5 more; short protein forms G1321D, G1339D, G1056D, G1280D, G1298D, G1349D, G1213D, G1248D.
Identifiers: ClinVar variation 421196 (VCV000421196.26), dbSNP rs781621926, ClinGen allele CA037378.

ClinVar aggregate classification (germline): Conflicting classifications of pathogenicity. Review status: criteria provided, conflicting classifications (1 of 4 stars). 8 submissions from 8 submitters: Uncertain significance (7); Likely benign (1). Last evaluated 2026-06-16.

Conditions:
Gastric cancer. Also called: Malignant tumor of stomach; Stomach cancer. Identifiers: MedGen C0024623, MeSH D013274, MONDO:0001056, OMIM 613659, HP:0012126.
Familial adenomatous polyposis 1 (FAP1). Also called: POLYPOSIS, ADENOMATOUS INTESTINAL; FAMILIAL ADENOMATOUS POLYPOSIS 1, ATTENUATED. Identifiers: MedGen C2713442, MONDO:0021056, OMIM 175100. Disease mechanism: loss of function.
Classic or attenuated familial adenomatous polyposis. Identifiers: MedGen CN372698, MONDO:0021057.
Hereditary cancer-predisposing syndrome. Also called: Neoplastic Syndromes, Hereditary; Hereditary neoplastic syndrome; Hereditary Cancer Syndrome; Tumor predisposition. Identifiers: Orphanet 140162, MedGen C0027672, MeSH D009386, MONDO:0015356.

Allele frequency attached by ClinVar (database versions not stated): gnomAD exomes below 0.00001; ExAC 0.00001; gnomAD 0.00002 and 0.00003; TOPMed 0.00002.
gnomAD v4.1: 5 of 1,614,008 alleles (0.00031%); highest among the groups gnomAD compares: African/African-American, 0.004%; no homozygotes.

Submissions (8):

Ambry Genetics
Classification: Likely benign for Hereditary cancer-predisposing syndrome. Last evaluated: 2026-06-16. Review status: criteria provided, single submitter. Criteria: Ambry Variant Classification Scheme 2023. Collection method: clinical testing. Allele origin: germline.

Labcorp Genetics (formerly Invitae), Labcorp
Classification: Uncertain significance for Familial adenomatous polyposis 1. Last evaluated: 2025-07-17. Review status: criteria provided, single submitter. Criteria: Invitae Variant Classification Sherloc (09022015). Collection method: clinical testing. Allele origin: germline.
Comment: This sequence change replaces glycine, which is neutral and non-polar, with aspartic acid, which is acidic and polar, at codon 1339 of the APC protein (p.Gly1339Asp). This variant is present in population databases (rs781621926, gnomAD 0.01%). This variant has not been reported in the literature in individuals affected with APC-related conditions. ClinVar contains an entry for this variant (Variation ID: 421196). Invitae Evidence Modeling of protein sequence and biophysical properties (such as structural, functional, and spatial information, amino acid conservation, physicochemical variation, residue mobility, and thermodynamic stability) indicates that this missense variant is not expected to disrupt APC protein function with a negative predictive value of 95%. In summary, the available evidence is currently insufficient to determine the role of this variant in disease. Therefore, it has been classified as a Variant of Uncertain Significance.

All of Us Research Program, National Institutes of Health
Classification: Uncertain significance for Classic or attenuated familial adenomatous polyposis. Last evaluated: 2024-03-24. Review status: criteria provided, single submitter. Criteria: ACMG Guidelines, 2015. Collection method: clinical testing. Allele origin: germline. Inheritance: Autosomal dominant inheritance. Observed: 1 variant allele, 1 heterozygote.
Comment: This missense variant replaces glycine with aspartic acid at codon 1339 of the APC protein. Computational prediction suggests that this variant may not impact protein structure and function (internally defined REVEL score threshold <= 0.5, PMID: 27666373). To our knowledge, functional studies have not been reported for this variant. This variant has not been reported in individuals affected with APC-related disorders in the literature. This variant has been identified in 1/31396 chromosomes in the general population by the Genome Aggregation Database (gnomAD). The available evidence is insufficient to determine the role of this variant in disease conclusively. Therefore, this variant is classified as a Variant of Uncertain Significance.

This study involves interpretation of variants in research participants for the purpose of population health screening. Participant phenotype was not available at the time of variant classification. Additional details can be found in publication PMID: 35346344, PMCID: PMC8962531

Color Diagnostics, LLC DBA Color Health
Classification: Uncertain significance for Hereditary cancer-predisposing syndrome. Last evaluated: 2024-02-21. Review status: criteria provided, single submitter. Criteria: ACMG Guidelines, 2015. Collection method: clinical testing. Allele origin: germline.
Comment: This missense variant replaces glycine with aspartic acid at codon 1339 of the APC protein. Computational prediction suggests that this variant may not impact protein structure and function (internally defined REVEL score threshold <= 0.5, PMID: 27666373). To our knowledge, functional studies have not been reported for this variant. This variant has not been reported in individuals affected with APC-related disorders in the literature. This variant has been identified in 1/31396 chromosomes in the general population by the Genome Aggregation Database (gnomAD). The available evidence is insufficient to determine the role of this variant in disease conclusively. Therefore, this variant is classified as a Variant of Uncertain Significance.

GeneDx
Classification: Uncertain significance. Last evaluated: 2024-02-16. Review status: criteria provided, single submitter. Criteria: GeneDx Variant Classification Process June 2021. Collection method: clinical testing. Allele origin: germline. Affected: yes.
Comment: Not observed at significant frequency in large population cohorts (gnomAD); In silico analysis supports that this missense variant does not alter protein structure/function; Has not been previously published as pathogenic or benign to our knowledge; This variant is associated with the following publications: (PMID: 16142313, 15650354, 18199528)

Baylor Genetics
Classification: Uncertain significance for Familial adenomatous polyposis 1. Last evaluated: 2023-12-19. Review status: criteria provided, single submitter. Criteria: ACMG Guidelines, 2015. Collection method: clinical testing. Allele origin: unknown.

Women's Health and Genetics/Laboratory Corporation of America, LabCorp
Classification: Uncertain significance. Last evaluated: 2022-11-21. Review status: criteria provided, single submitter. Criteria: LabCorp Variant Classification Summary - May 2015. Collection method: clinical testing. Allele origin: germline.
Comment: Variant summary: APC c.4016G>A (p.Gly1339Asp) results in a non-conservative amino acid change in the encoded protein sequence. Four of five in-silico tools predict a benign effect of the variant on protein function. The variant was absent in 251020 control chromosomes. The available data on variant occurrences in the general population are insufficient to allow any conclusion about variant significance. To our knowledge, no occurrence of c.4016G>A in individuals affected with Familial Adenomatous Polyposis and no experimental evidence demonstrating its impact on protein function have been reported. Four clinical diagnostic laboratories have submitted clinical-significance assessments for this variant to ClinVar after 2014 and classified the variant as uncertain significance. Based on the evidence outlined above, the variant was classified as uncertain significance.

Department of Pathology and Laboratory Medicine, Sinai Health System
Classification: Uncertain significance for Gastric cancer. Last evaluated: 2022-09-07. Review status: criteria provided, single submitter. Criteria: ACMG Guidelines, 2015. Collection method: clinical testing. Allele origin: germline. Affected: yes.